The following is an entry in ClinVar:

ClinVar aggregate classification (germline): Uncertain significance (1 of 4 stars; one submission).

Conditions:
Autosomal dominant nocturnal frontal lobe epilepsy 5. Also called: KCNT1-Related Epilepsy; CILIARY DYSKINESIA, PRIMARY, 28, WITHOUT SITUS INVERSUS; CILIARY DYSKINESIA, PRIMARY, 28, WITH SITUS INVERSUS; Epilepsy, nocturnal frontal lobe, 5. Identifiers: Orphanet 98784, MedGen C3554306, MONDO:0014002, OMIM 615005.

Submission:

Centre for Mendelian Genomics, University Medical Centre Ljubljana
Classification: Uncertain significance for Autosomal dominant nocturnal frontal lobe epilepsy 5. Last evaluated: 2019-04-25. Review status: criteria provided, single submitter. Criteria: ACMG Guidelines, 2015. Collection method: clinical testing. Allele origin: unknown. Affected: yes.
Comment: This variant was classified as: Uncertain significance. The available evidence on this variant's pathogenicity is insufficient or conflicting. The following ACMG criteria were applied in classifying this variant: PM2.

NM_020822.3(KCNT1):c.2166_2170del (p.Pro724fs)

Gene: KCNT1 (potassium sodium-activated channel subfamily T member 1; plus strand). Cytogenetic location: 9q34.3.
Variant type: Deletion.
Coding change: c.2166_2170del on transcript NM_020822.3 (MANE Select); coding-DNA positions 2166 to 2170, 5 bases deleted (GCTGC; older notation c.2166_2170delGCTGC).
Protein change: p.Pro724fs; shifts the reading frame from proline 724.
Molecular consequence: frameshift variant.
Genome position (GRCh38, 1-based): chr9:135,772,872-135,772,876, GCTGC deleted. VCF-style (leftmost placement, unchanged base first): chr9-135772871-TGCTGC-T. GRCh37 (hg19) VCF-style: chr9-138664717-TGCTGC-T.
Other names: c.2031_2035del, p.Pro679fs (NM_001272003.2); short protein forms P679fs, P724fs.
Identifiers: ClinVar variation 930468 (VCV000930468.3), dbSNP rs1832854272, ClinGen allele CA1139661322.